The following is an entry in ClinVar:

ClinVar aggregate classification (germline): Uncertain significance (1 of 4 stars; one submission).

Conditions:
Cone-rod dystrophy 6 (CORD6). Also called: RETINAL CONE DYSTROPHY 2; Cone dystrophy progressive. Identifiers: Orphanet 1872, MedGen C1866293, MONDO:0011143, OMIM 601777.
Leber congenital amaurosis 1 (LCA1). Also called: Congenital absence of the rods and cones; Leber's congenital tapetoretinal degeneration; Leber's congenital tapetoretinal dysplasia; RETINAL BLINDNESS, CONGENITAL; AMAUROSIS CONGENITA OF LEBER I. Identifiers: Orphanet 65, MedGen C2931258, MONDO:0008764, OMIM 204000.

Allele frequency attached by ClinVar (database versions not stated): gnomAD exomes below 0.00001.
gnomAD v4.1: 1 of 1,614,166 alleles (0.000062%); no homozygotes.

Submission:

Labcorp Genetics (formerly Invitae), Labcorp
Classification: Uncertain significance for Leber congenital amaurosis 1; Cone-rod dystrophy 6. Last evaluated: 2023-08-10. Review status: criteria provided, single submitter. Criteria: Invitae Variant Classification Sherloc (09022015). Collection method: clinical testing. Allele origin: germline.
Comment: This sequence change replaces glycine, which is neutral and non-polar, with aspartic acid, which is acidic and polar, at codon 606 of the GUCY2D protein (p.Gly606Asp). In summary, the available evidence is currently insufficient to determine the role of this variant in disease. Therefore, it has been classified as a Variant of Uncertain Significance. Advanced modeling of protein sequence and biophysical properties (such as structural, functional, and spatial information, amino acid conservation, physicochemical variation, residue mobility, and thermodynamic stability) performed at Invitae indicates that this missense variant is not expected to disrupt GUCY2D protein function. ClinVar contains an entry for this variant (Variation ID: 858213). This variant has not been reported in the literature in individuals affected with GUCY2D-related conditions. This variant is present in population databases (no rsID available, gnomAD 0.003%).

NM_000180.4(GUCY2D):c.1817G>A (p.Gly606Asp)

Gene: GUCY2D (guanylate cyclase 2D, retinal; plus strand). Cytogenetic location: 17p13.1.
Variant type: single nucleotide variant.
Coding change: c.1817G>A on transcript NM_000180.4 (MANE Select); coding-DNA position 1817, G replaced by A.
Protein change: p.Gly606Asp; replaces glycine 606 with aspartic acid.
Molecular consequence: missense variant.
Genome position (GRCh38, 1-based): chr17:8,012,211, G>A. VCF-style: chr17-8012211-G-A. GRCh37 (hg19) VCF-style: chr17-7915529-G-A.
Other names: short protein forms G606D.
Identifiers: ClinVar variation 858213 (VCV000858213.9), dbSNP rs1451847992, ClinGen allele CA397951401.